The following is an entry in ClinVar:

NM_000195.5(HPS1):c.379G>C (p.Gly127Arg)

Gene: HPS1 (HPS1 biogenesis of lysosomal organelles complex 3 subunit 1; minus strand). Cytogenetic location: 10q24.2.
Variant type: single nucleotide variant.
Coding change: c.379G>C on transcript NM_000195.5 (MANE Select); coding-DNA position 379, G replaced by C.
Protein change: p.Gly127Arg; replaces glycine 127 with arginine.
Molecular consequence: missense variant. On other transcripts: 5 prime UTR variant (2), intron variant (7).
Genome position (GRCh38, 1-based): chr10:98,435,291, C>G on the plus strand (G>C on the coding strand, the complement: HPS1 is on the minus strand). VCF-style: chr10-98435291-C-G. GRCh37 (hg19) VCF-style: chr10-100195048-C-G.
Other names: c.-538G>C (NM_001311345.2); c.379G>C, p.Gly127Arg (NM_001322476.2, NM_001322477.2, NM_001322478.2 and 5 more transcripts); c.-637G>C (NM_001322487.2); c.29+344G>C (NM_001322483.2, NM_001322485.2, NM_001322484.2); c.255+344G>C (NM_001322480.2, NM_001322482.2, NM_001322481.2); c.-519+344G>C (NM_001322489.2); short protein forms G127R.
Identifiers: ClinVar variation 2179420 (VCV002179420.1), dbSNP rs371321032, ClinGen allele CA5639423.
Genomic context (GRCh38, chr10:98,435,291, plus strand): 5'-TGCTCGGCAAAGGACAGAGGGGACCAGCTTTGAAGACTCACTCCTTTCGGATAAGATGAC[C>G]GTCCACAGTCACCAGCCCAAAGTGCACTTCAAACAGGTACTTGAGCACATACAGCTTCCG-3'
Protein context (NP_000186.2, residues 117-137): EVHFGLVTVD[Gly127Arg]HLIRKELRPP

ClinVar aggregate classification (germline): Uncertain significance (1 of 4 stars; one submission).

Allele frequency attached by ClinVar (database versions not stated): ExAC 0.00003.
gnomAD v4.1: 20 of 1,613,986 alleles (0.0012%); highest among the groups gnomAD compares: South Asian, 0.022%; no homozygotes.

Submission:

Labcorp Genetics (formerly Invitae), Labcorp
Classification: Uncertain significance. Last evaluated: 2022-05-29. Review status: criteria provided, single submitter. Criteria: Invitae Variant Classification Sherloc (09022015). Collection method: clinical testing. Allele origin: germline.
Comment: This sequence change replaces glycine, which is neutral and non-polar, with arginine, which is basic and polar, at codon 127 of the HPS1 protein (p.Gly127Arg). This variant is present in population databases (rs371321032, gnomAD 0.02%). This variant has not been reported in the literature in individuals affected with HPS1-related conditions. Algorithms developed to predict the effect of missense changes on protein structure and function are either unavailable or do not agree on the potential impact of this missense change (SIFT: "Deleterious"; PolyPhen-2: "Possibly Damaging"; Align-GVGD: "Class C0"). In summary, the available evidence is currently insufficient to determine the role of this variant in disease. Therefore, it has been classified as a Variant of Uncertain Significance.